The following is an entry in ClinVar:

ClinVar aggregate classification (germline): Uncertain significance (1 of 4 stars; one submission).

Conditions:
Inborn genetic diseases. Identifiers: MedGen C0950123, MeSH D030342.

Submission:

Ambry Genetics
Classification: Uncertain significance for Inborn genetic diseases. Last evaluated: 2026-07-04. Review status: criteria provided, single submitter. Criteria: Ambry Variant Classification Scheme 2023. Collection method: clinical testing. Allele origin: germline.
Comment: The p.S261G variant (also known as c.781A>G), located in coding exon 2 of the GATA2 gene, results from an A to G substitution at nucleotide position 781. The serine at codon 261 is replaced by glycine, an amino acid with similar properties. This amino acid position is conserved. In addition, this alteration is predicted to be tolerated by in silico analysis. Based on the available evidence, the clinical significance of this variant remains unclear.

NM_032638.5(GATA2):c.781A>G (p.Ser261Gly)

Gene: GATA2 (GATA binding protein 2; minus strand). Cytogenetic location: 3q21.3.
Variant type: single nucleotide variant.
Coding change: c.781A>G on transcript NM_032638.5 (MANE Select); coding-DNA position 781, A replaced by G.
Protein change: p.Ser261Gly; replaces serine 261 with glycine.
Molecular consequence: missense variant.
Genome position (GRCh38, 1-based): chr3:128,485,817, T>C on the plus strand (A>G on the coding strand, the complement: GATA2 is on the minus strand). VCF-style: chr3-128485817-T-C. GRCh37 (hg19) VCF-style: chr3-128204660-T-C.
Other names: c.781A>G, p.Ser261Gly (NM_001145662.1, NM_001145661.2); short protein forms S261G.
Identifiers: ClinVar variation 5022177 (VCV005022177.1).